The following is an entry in ClinVar:

NM_001378414.1(HDAC4):c.2289T>C (p.Ser763=)

Gene: HDAC4 (histone deacetylase 4; minus strand). Cytogenetic location: 2q37.3.
Variant type: single nucleotide variant.
Coding change: c.2289T>C on transcript NM_001378414.1 (MANE Select); coding-DNA position 2289, T replaced by C.
Protein change: p.Ser763=; no amino-acid change (serine 763 retained).
Molecular consequence: synonymous variant.
Genome position (GRCh38, 1-based): chr2:239,090,108, A>G on the plus strand (T>C on the coding strand, the complement: HDAC4 is on the minus strand). VCF-style: chr2-239090108-A-G. GRCh37 (hg19) VCF-style: chr2-240011804-A-G.
Other names: c.2289T>C, p.Ser763= (NM_001378415.1); c.2274T>C, p.Ser758= (NM_001378416.1, NM_001378417.1, NM_006037.4).
Identifiers: ClinVar variation 2652070 (VCV002652070.24), dbSNP rs2470896485, ClinGen allele CA431980713.

ClinVar aggregate classification (germline): Likely benign (1 of 4 stars; one submission).

Submission:

CeGaT Center for Human Genetics Tuebingen
Classification: Likely benign. Last evaluated: 2023-01-01. Review status: criteria provided, single submitter. Criteria: CeGaT Center For Human Genetics Tuebingen Variant Classification Criteria Version 2. Collection method: clinical testing. Allele origin: germline. Affected: yes. Observed: 1 variant allele.
Comment: HDAC4: PM2:Supporting, BP4, BP7